The following is an entry in ClinVar:

NM_182977.3(NNT):c.1546G>A (p.Val516Ile)

Gene: NNT (nicotinamide nucleotide transhydrogenase; plus strand). Cytogenetic location: 5p12.
Variant type: single nucleotide variant.
Coding change: c.1546G>A on transcript NM_182977.3 (MANE Select); coding-DNA position 1546, G replaced by A.
Protein change: p.Val516Ile; replaces valine 516 with isoleucine.
Molecular consequence: missense variant.
Genome position (GRCh38, 1-based): chr5:43,649,248, G>A. VCF-style: chr5-43649248-G-A. GRCh37 (hg19) VCF-style: chr5-43649350-G-A.
Other names: c.1546G>A (NM_012343.3); c.1153G>A, p.Val385Ile (NM_001331026.2); c.1546G>A, p.Val516Ile (NM_012343.4); short protein forms V385I, V516I.
Identifiers: ClinVar variation 2419931 (VCV002419931.6), dbSNP rs367558397, ClinGen allele CA3258008.

ClinVar aggregate classification (germline): Uncertain significance. Review status: criteria provided, multiple submitters, no conflicts (2 of 4 stars). 3 submissions from 3 submitters: Uncertain significance (3). Last evaluated 2025-11-24.

Conditions:
NNT-related disorder. Also called: NNT-related condition.
Inborn genetic diseases. Identifiers: MedGen C0950123, MeSH D030342.

Allele frequency attached by ClinVar (database versions not stated): gnomAD exomes 0.00009; TOPMed 0.00012; gnomAD 0.00013; ExAC 0.00027.
gnomAD v4.1: 217 of 1,614,174 alleles (0.013%); highest among the groups gnomAD compares: East Asian, 0.053%; 1 homozygote.

Submissions (3):

Labcorp Genetics (formerly Invitae), Labcorp
Classification: Uncertain significance. Last evaluated: 2025-11-24. Review status: criteria provided, single submitter. Criteria: Invitae Variant Classification Sherloc (09022015). Collection method: clinical testing. Allele origin: germline.
Comment: This sequence change replaces valine, which is neutral and non-polar, with isoleucine, which is neutral and non-polar, at codon 516 of the NNT protein (p.Val516Ile). This variant is present in population databases (rs367558397, gnomAD 0.1%). This variant has not been reported in the literature in individuals affected with NNT-related conditions. ClinVar contains an entry for this variant (Variation ID: 2419931). An algorithm developed to predict the effect of missense changes on protein structure and function (PolyPhen-2) suggests that this variant is likely to be disruptive. In summary, the available evidence is currently insufficient to determine the role of this variant in disease. Therefore, it has been classified as a Variant of Uncertain Significance.

PreventionGenetics, part of Exact Sciences
Classification: Uncertain significance for NNT-related condition. Last evaluated: 2023-08-30. Review status: criteria provided, single submitter. Criteria: ACMG Guidelines, 2015. Collection method: clinical testing. Allele origin: germline.
Comment: The NNT c.1546G>A variant is predicted to result in the amino acid substitution p.Val516Ile. To our knowledge, this variant has not been reported in the literature. This variant is reported in 0.14% of alleles in individuals of Ashkenazi Jewish descent in gnomAD. Although we suspect that this variant may be benign, at this time, the clinical significance of this variant is uncertain due to the absence of conclusive functional and genetic evidence.

Ambry Genetics
Classification: Uncertain significance for Inborn genetic diseases. Last evaluated: 2022-05-04. Review status: criteria provided, single submitter. Criteria: Ambry Variant Classification Scheme 2023. Collection method: clinical testing. Allele origin: germline.